The following is an entry in ClinVar:

ClinVar aggregate classification (germline): Conflicting classifications of pathogenicity. Review status: criteria provided, conflicting classifications (1 of 4 stars). 3 submissions from 3 submitters: Uncertain significance (1); Likely benign (2). Last evaluated 2025-07-30.

Conditions:
Inborn genetic diseases. Identifiers: MedGen C0950123, MeSH D030342.

Allele frequency attached by ClinVar (database versions not stated): TOPMed 0.00015; gnomAD 0.00019 and 0.00021; gnomAD exomes 0.00022; ExAC 0.00031; ESP Exome Variant Server 0.00065.
gnomAD v4.1: 350 of 1,614,080 alleles (0.022%); highest among the groups gnomAD compares: Non-Finnish European, 0.028%; no homozygotes.

Submissions (3):

Labcorp Genetics (formerly Invitae), Labcorp
Classification: Uncertain significance. Last evaluated: 2025-07-30. Review status: criteria provided, single submitter. Criteria: Invitae Variant Classification Sherloc (09022015). Collection method: clinical testing. Allele origin: germline.
Comment: This sequence change replaces lysine, which is basic and polar, with glutamine, which is neutral and polar, at codon 857 of the ARHGAP31 protein (p.Lys857Gln). This variant is present in population databases (rs201206374, gnomAD 0.05%), and has an allele count higher than expected for a pathogenic variant. This variant has not been reported in the literature in individuals affected with ARHGAP31-related conditions. ClinVar contains an entry for this variant (Variation ID: 1430064). An algorithm developed to predict the effect of missense changes on protein structure and function (PolyPhen-2) suggests that this variant is likely to be tolerated. In summary, the available evidence is currently insufficient to determine the role of this variant in disease. Therefore, it has been classified as a Variant of Uncertain Significance.

Ambry Genetics
Classification: Likely benign for Inborn genetic diseases. Last evaluated: 2024-05-30. Review status: criteria provided, single submitter. Criteria: Ambry Variant Classification Scheme 2023. Collection method: clinical testing. Allele origin: germline.

Blueprint Genetics
Classification: Likely benign. Last evaluated: 2024-02-15. Review status: criteria provided, single submitter. Criteria: ACMG Guidelines, 2015. Collection method: clinical testing. Allele origin: germline.

NM_020754.4(ARHGAP31):c.2569A>C (p.Lys857Gln)

Gene: ARHGAP31 (Rho GTPase activating protein 31; plus strand). Cytogenetic location: 3q13.33.
Variant type: single nucleotide variant.
Coding change: c.2569A>C on transcript NM_020754.4 (MANE Select); coding-DNA position 2569, A replaced by C.
Protein change: p.Lys857Gln; replaces lysine 857 with glutamine.
Molecular consequence: missense variant.
Genome position (GRCh38, 1-based): chr3:119,414,498, A>C. VCF-style: chr3-119414498-A-C. GRCh37 (hg19) VCF-style: chr3-119133345-A-C.
Other names: c.2569A>C (NM_020754.2); short protein forms K857Q.
Identifiers: ClinVar variation 1430064 (VCV001430064.8), dbSNP rs201206374, ClinGen allele CA2554067.